The following is an entry in ClinVar:

ClinVar aggregate classification (germline): Uncertain significance (1 of 4 stars; one submission).

Conditions:
Arthrogryposis, distal, type 1A. Also called: ARTHROGRYPOSIS MULTIPLEX CONGENITA, DISTAL, TYPE I. Identifiers: Orphanet 1146, MedGen C6022280, MONDO:0007157, OMIM 108120.

Submission:

Labcorp Genetics (formerly Invitae), Labcorp
Classification: Uncertain significance for Arthrogryposis, distal, type 1A. Last evaluated: 2025-11-28. Review status: criteria provided, single submitter. Criteria: Invitae Variant Classification Sherloc (09022015). Collection method: clinical testing. Allele origin: germline.
Comment: This sequence change falls in intron 5 of the TPM2 gene. It does not directly change the encoded amino acid sequence of the TPM2 protein. This variant is not present in population databases (gnomAD no frequency). This variant has not been reported in the literature in individuals affected with TPM2-related conditions. Algorithms developed to predict the effect of sequence changes on RNA splicing suggest that this variant may create or strengthen a splice site. In summary, the available evidence is currently insufficient to determine the role of this variant in disease. Therefore, it has been classified as a Variant of Uncertain Significance.

NM_003289.4(TPM2):c.563+7A>G

Gene: TPM2 (tropomyosin 2; minus strand). Cytogenetic location: 9p13.3.
Variant type: single nucleotide variant.
Coding change: c.563+7A>G on transcript NM_003289.4 (MANE Select); 7 bases into the intron after coding-DNA position 563, A replaced by G.
Molecular consequence: intron variant.
Genome position (GRCh38, 1-based): chr9:35,685,262, T>C on the plus strand (A>G on the coding strand, the complement: TPM2 is on the minus strand). VCF-style: chr9-35685262-T-C. GRCh37 (hg19) VCF-style: chr9-35685259-T-C.
Other names: c.563+7A>G (NM_213674.1, NM_001301226.2, NM_001301227.2).
Identifiers: ClinVar variation 4778165 (VCV004778165.1).